The following is an entry in ClinVar:

ClinVar aggregate classification (germline): Uncertain significance (1 of 4 stars; one submission).

gnomAD v4.1: 1 of 1,614,030 alleles (0.000062%); highest among the groups gnomAD compares: African/African-American, 0.0013%; no homozygotes.

Submission:

GeneDx
Classification: Uncertain significance. Last evaluated: 2023-05-13. Review status: criteria provided, single submitter. Criteria: GeneDx Variant Classification Process June 2021. Collection method: clinical testing. Allele origin: germline. Affected: yes.
Comment: Not observed at significant frequency in large population cohorts (gnomAD); In silico analysis supports that this missense variant has a deleterious effect on protein structure/function; Has not been previously published as pathogenic or benign to our knowledge

NM_001040436.3(YARS2):c.596T>C (p.Leu199Pro)

Gene: YARS2 (tyrosyl-tRNA synthetase 2; minus strand). Cytogenetic location: 12p11.21.
Variant type: single nucleotide variant.
Coding change: c.596T>C on transcript NM_001040436.3 (MANE Select); coding-DNA position 596, T replaced by C.
Protein change: p.Leu199Pro; replaces leucine 199 with proline.
Molecular consequence: missense variant.
Genome position (GRCh38, 1-based): chr12:32,755,279, A>G on the plus strand (T>C on the coding strand, the complement: YARS2 is on the minus strand). VCF-style: chr12-32755279-A-G. GRCh37 (hg19) VCF-style: chr12-32908213-A-G.
Other names: short protein forms L199P.
Identifiers: ClinVar variation 3343370 (VCV003343370.1).